The following is an entry in ClinVar:

NM_000091.5(COL4A3):c.1864G>A (p.Gly622Arg)

Genes: COL4A3 (collagen type IV alpha 3 chain; plus strand), MFF-DT (MFF divergent transcript; minus strand). Cytogenetic location: 2q36.3.
Variant type: single nucleotide variant.
Coding change: c.1864G>A on transcript NM_000091.5 (MANE Select); coding-DNA position 1864, G replaced by A.
Protein change: p.Gly622Arg; replaces glycine 622 with arginine.
Molecular consequence: missense variant.
Genome position (GRCh38, 1-based): chr2:227,273,054, G>A. VCF-style: chr2-227273054-G-A. GRCh37 (hg19) VCF-style: chr2-228137770-G-A.
Other names: short protein forms G622R.
Identifiers: ClinVar variation 4531836 (VCV004531836.1).

ClinVar aggregate classification (germline): Likely pathogenic (1 of 4 stars; one submission).

Conditions:
Alport syndrome. Also called: Hemorrhagic familial nephritis; Hemorrhagic hereditary nephritis; Congenital hereditary hematuria. Identifiers: Orphanet 63, MedGen C1567741, MONDO:0018965.

Submission:

Victorian Clinical Genetics Services, Murdoch Childrens Research Institute
Classification: Likely pathogenic for Alport syndrome. Last evaluated: 2025-07-15. Review status: criteria provided, single submitter. Criteria: ACMG Guidelines, 2015. Collection method: clinical testing. Allele origin: germline. Affected: yes.
Comment: This variant is classified as Likely pathogenic. Evidence in support of pathogenic classification: Variant is absent from gnomAD (v2, v3 and v4); Another missense variant(s) comparable to the one identified in this case has moderate previous evidence for pathogenicity. p.(Gly622Glu) has been classified as likely pathogenic and as a VUS by clinical laboratories in ClinVar, and reported in the literature in a compound heterozygous individual with autosomal recessive Alport syndrome (PMID: 34215756); Variant is located in the well-established functional Gly-X-Y motif in the collagen triple helical domain (DECIPHER); Missense variant predicted to be damaging by in silico tool(s) or highly conserved with a major amino acid change. Additional information: Variant is predicted to result in a missense amino acid change from Gly to Arg; This variant is heterozygous; This gene is associated with both recessive and dominant Alport syndrome (MONDO:0018965), COL4A3-related; Alternative amino acid change(s) at the same position are present in gnomAD (Highest allele count: v4: 1 heterozygote(s), 0 homozygote(s)); This variant has no previous evidence of pathogenicity; No published evidence of segregation with disease has been identified for this variant; No published functional evidence has been identified for this variant; Dominant negative and loss of function are known mechanisms of disease in this gene and are associated with Alport syndrome (MONDO:0018965), COL4A3-related. Glycine changes that are part of a G-X-Y repeat in the triple helix of a collagen domain are known to have a dominant negative effect (PMID: 12028435); Inheritance information for this variant is not currently available in this individual.

Literature cited by the submitters: PubMed 34215756; PubMed 12028435.